The following is an entry in ClinVar:

NM_000361.3(THBD):c.897C>A (p.Asn299Lys)

Gene: THBD (thrombomodulin; minus strand). Cytogenetic location: 20p11.21.
Variant type: single nucleotide variant.
Coding change: c.897C>A on transcript NM_000361.3 (MANE Select); coding-DNA position 897, C replaced by A.
Protein change: p.Asn299Lys; replaces asparagine 299 with lysine.
Molecular consequence: missense variant.
Genome position (GRCh38, 1-based): chr20:23,048,608, G>T on the plus strand (C>A on the coding strand, the complement: THBD is on the minus strand). VCF-style: chr20-23048608-G-T. GRCh37 (hg19) VCF-style: chr20-23029245-G-T.
Other names: short protein forms N299K.
Identifiers: ClinVar variation 1479346 (VCV001479346.6), dbSNP rs1008621697, ClinGen allele CA408406715.

ClinVar aggregate classification (germline): Uncertain significance (1 of 4 stars; one submission).

gnomAD v4.1: 2 of 1,598,414 alleles (0.00013%); highest among the groups gnomAD compares: Non-Finnish European, 0.000085%; no homozygotes.

Submission:

Labcorp Genetics (formerly Invitae), Labcorp
Classification: Uncertain significance. Last evaluated: 2022-06-27. Review status: criteria provided, single submitter. Criteria: Invitae Variant Classification Sherloc (09022015). Collection method: clinical testing. Allele origin: germline.
Comment: In summary, the available evidence is currently insufficient to determine the role of this variant in disease. Therefore, it has been classified as a Variant of Uncertain Significance. Algorithms developed to predict the effect of missense changes on protein structure and function (SIFT, PolyPhen-2, Align-GVGD) all suggest that this variant is likely to be tolerated. This variant has not been reported in the literature in individuals affected with THBD-related conditions. This variant is not present in population databases (gnomAD no frequency). This sequence change replaces asparagine, which is neutral and polar, with lysine, which is basic and polar, at codon 299 of the THBD protein (p.Asn299Lys).